The following is an entry in ClinVar:

ClinVar aggregate classification (germline): Uncertain significance. Review status: reviewed by expert panel (3 of 4 stars). 7 submissions from 7 submitters: Uncertain significance (1). 6 of the submissions do not count toward it. Last evaluated 2025-11-11.

Conditions:
Ebstein anomaly. Also called: Ebstein's anomaly of the tricuspid valve; Ebstein anomaly of the tricuspid valve. Identifiers: Orphanet 1880, MedGen C0013481, MONDO:0009144, OMIM 224700, HP:0010316.
MYH7-related disorder. Also called: MYH7-related condition; MYH7-related disease; MYH7-related disorders.
Cardiovascular phenotype. Identifiers: MedGen CN230736.
Left ventricular noncompaction. Identifiers: Orphanet 54260, MedGen C1960469, MONDO:0018901, HP:0030682.
Hypertrophic cardiomyopathy. Also called: HYPERTROPHIC MYOCARDIOPATHY. Identifiers: Orphanet 217569, MedGen C0007194, MeSH D002312, MONDO:0005045, HP:0001639.

Submissions (7):

ClinGen Cardiomyopathy Variant Curation Expert Panel
Classification: Uncertain significance for Hypertrophic cardiomyopathy. Last evaluated: 2025-11-11. Review status: reviewed by expert panel. Criteria: ClinGen CMP ACMG Specifications v1. Collection method: curation. Allele origin: germline. Inheritance: Autosomal dominant inheritance.
Comment: The c.3658_3660del (p.Glu1220del) variant in MYH7 has been reported in 2 individuals with Ebstein anomaly (PS4_Supporting; Postma 2010 PMID:21127202; Bettinelli 2013 PMID 23956225; Partners LMM ClinVar SCV000059512.5). This variant segregated with Ebstein anomaly in 3 affected individuals from one family (Partners LMM ClinVar SCV000059512.5). While the expert panel waived the ACMG/AMP recommendation for demonstrating segregation in more than one family given that MYH7 is a well-established cardiomyopathy gene, its role in Ebstein anomaly is less established. Therefore, the expert panel felt that the PP1 pathogenic code should not be applied in this case given that all segregations came from one family. This variant was absent from large population studies (PM2). This variant is a deletion of 1 amino acid at position 1220 and is not predicted to alter the protein reading-frame. Given that only 1 amino acid has been deleted, the expert panel felt that adjusting to supporting evidence would be more appropriate in this case (PM4_Supporting). In summary, this variant is classified as uncertain significance for Ebstein anomaly in an autosomal dominant manner. MYH7-specific ACMG/AMP criteria applied (Kelly 2018 PMID:29300372): PM2; PM4_Supporting; PS4_ Supporting.

PreventionGenetics, part of Exact Sciences
Classification: Uncertain significance for MYH7-related condition. Last evaluated: 2026-03-03. Review status: criteria provided, single submitter. Criteria: ACMG Guidelines, 2015. Collection method: clinical testing. Allele origin: germline. Not counted in ClinVar's aggregate classification.
Comment: The MYH7 c.3658_3660delGAG variant is predicted to result in an in-frame deletion (p.Glu1220del). This variant has been reported in an individual with Ebstein anomaly that presented with left ventricular noncompaction (LVNC) and LV diastolic dysfunction (Postma et al. 2011. PubMed ID: 21127202). This variant was also reported in a family with variable presentation Ebstein anomaly and segregated with disease (Bettinelli et al. 2013. PubMed ID: 23956225). The variant has also been reported in an individual with LVNC (Janin et al. 2022. PubMed ID: 35838873) and has been classified as a variant of uncertain signficance for Ebstein anomaly by the ClinGen Cardiomyopathy Expert Panel (Supplementary Table 4, Kelly et al. 2018. PubMed ID: 29300372; Variation ID: 42968). This variant has not been reported in a large population database (gnomAD), indicating this variant is rare. At this time, the clinical significance of this variant is uncertain due to the absence of conclusive functional and genetic evidence.

Labcorp Genetics (formerly Invitae), Labcorp
Classification: Uncertain significance for Hypertrophic cardiomyopathy. Last evaluated: 2026-01-27. Review status: criteria provided, single submitter. Criteria: Invitae Variant Classification Sherloc (09022015). Collection method: clinical testing. Allele origin: germline. Not counted in ClinVar's aggregate classification.
Comment: This variant, c.3658_3660del, results in the deletion of 1 amino acid(s) of the MYH7 protein (p.Glu1220del), but otherwise preserves the integrity of the reading frame. This variant is not present in population databases (gnomAD no frequency). This variant has been observed in individual(s) with MYH7-related conditions (PMID: 21127202, 23956225, 35838873). It has also been observed to segregate with disease in related individuals. ClinVar contains an entry for this variant (Variation ID: 42968). Experimental studies and prediction algorithms are not available or were not evaluated, and the functional significance of this variant is currently unknown. In summary, the available evidence is currently insufficient to determine the role of this variant in disease. Therefore, it has been classified as a Variant of Uncertain Significance.

Ambry Genetics
Classification: Uncertain significance for Cardiovascular phenotype. Last evaluated: 2024-09-11. Review status: criteria provided, single submitter. Criteria: Ambry Variant Classification Scheme 2023. Collection method: clinical testing. Allele origin: germline. Not counted in ClinVar's aggregate classification.
Comment: The c.3658_3660delGAG variant (also known as p.E1220del) is located in coding exon 25 of the MYH7 gene. This variant results from an in-frame GAG deletion at nucleotide positions 3658 to 3660. This results in the in-frame deletion of a glutamic acid at codon 1220. This variant has been detected in an individual with Ebstein anomaly, left ventricular noncompaction (LVNC) and left ventricular diastolic dysfunction, and was also reported to segregate in a family with Ebstein anomaly, ventricular septal defect, and left ventricular hypertrabeculation (Postma AV, Circ Cardiovasc Genet 2011 Feb; 4(1):43-50; Bettinelli AL, Am. J. Med. Genet. A 2013 Dec; 161A(12):3187-90). However, the association of MYH7 with Ebstein anomaly is not well established, and the etiology of LVNC is generally considered to be heterogeneous. This amino acid position is highly conserved in available vertebrate species. In addition, this alteration is predicted to be deleterious by in silico analysis (Choi Y et al. PLoS ONE. 2012; 7(10):e46688). Since supporting evidence is limited at this time, the clinical significance of this alteration remains unclear.

Clinical Genomics Laboratory, Washington University in St. Louis
Classification: Uncertain significance for Ebstein anomaly. Last evaluated: 2023-07-26. Review status: criteria provided, single submitter. Criteria: ACMG Guidelines, 2015. Collection method: clinical testing. Allele origin: germline. Not counted in ClinVar's aggregate classification.
Comment: An in-frame MYH7 c.3658_3660delGAG (p.Glu1220del) deletion variant was identified. This variant has been reported in one individual with Ebstein anomaly with left ventricular noncompaction (LVNC) and LV diastolic dysfunction (Postma AV et al., PMID: 21127202) and it is reported to segregate with Ebstein anomaly in one family with an affected father and 3 affected children (Bettinelli AL et al., PMID: 23956225). This variant causes a change in the length of the protein due to removal of a highly conserved amino acid (p.Glu1220) (Postma AV et al., PMID: 21127202). This variant has been reported in the ClinVar database by 4 submitters (including one submission by the ClinGen Cardiomyopathy Variant Curation Expert Panel, CMP-VCEP) in individuals with Ebstein anomaly or related cardiac conditions and is classified as uncertain/likely pathogenic (ClinVar Variation ID: 42968). This variant is absent from the general population (gnomAD v.2.1.1), indicating it is not a common variant. Due to limited information, and based on ACMG/AMP guidelines for variant interpretation (Richards S et al., PMID: 25741868), and the recommendations provided by the ClinGen Inherited Cardiomyopathy Expert Panel (Kelly MA et al., PMID: 29300372) the clinical significance of this variant is uncertain at this time.

Blueprint Genetics
Classification: Pathogenic for MYH7-related disorders. Last evaluated: 2019-08-27. Review status: criteria provided, single submitter. Criteria: ACMG Guidelines, 2015. Collection method: clinical testing. Allele origin: germline. Affected: yes. Observed: 2 variant alleles. Not counted in ClinVar's aggregate classification.

Laboratory for Molecular Medicine, Mass General Brigham Personalized Medicine
Classification: Likely pathogenic for Left ventricular noncompaction. Last evaluated: 2014-01-14. Review status: criteria provided, single submitter. Criteria: LMM Criteria. Collection method: clinical testing. Allele origin: germline. Observed: 4 variant alleles. Not counted in ClinVar's aggregate classification.
Comment: proposed classification - variant undergoing re-assessment, contact laboratory

Literature cited by the submitters: PubMed 29300372 (cited by ClinGen Cardiomyopathy Variant Curation Expert Panel and Ambry Genetics); PubMed 21127202 (cited by 3 submitters); PubMed 23956225 (cited by 3 submitters); PubMed 35838873 (cited by Labcorp Genetics (formerly Invitae), Labcorp); PubMed 27153395 (cited by Ambry Genetics).

NM_000257.4(MYH7):c.3658_3660del (p.Glu1220del)

Gene: MYH7 (myosin heavy chain 7; minus strand). Cytogenetic location: 14q11.2.
Variant type: Deletion.
Coding change: c.3658_3660del on transcript NM_000257.4 (MANE Select); coding-DNA positions 3658 to 3660, 3 bases deleted (GAG; older notation c.3658_3660delGAG).
Protein change: p.Glu1220del; deletes glutamic acid 1220.
Molecular consequence: inframe deletion.
Genome position (GRCh38, 1-based): chr14:23,419,911-23,419,913, CTC deleted on the plus strand (GAG on the coding strand, the reverse complement: MYH7 is on the minus strand); deleting any 3 consecutive bases within chr14:23,419,911-23,419,915 gives the same sequence; the c. name uses the placement nearest the transcript's 3' end. VCF-style (leftmost placement, unchanged base first): chr14-23419910-TCTC-T. GRCh37 (hg19) VCF-style: chr14-23889119-TCTC-T.
Other names: NM_000257.3(MYH7):c.3658_3660delGAG; c.3658_3660del (LRG_384t1); c.3658_3660delGAG (NM_000257.4, NM_000257.3); short protein forms E1220del.
Identifiers: ClinVar variation 42968 (VCV000042968.18), dbSNP rs397516190, ClinGen allele CA013921.